The following is an entry in ClinVar:

NM_001360016.2(G6PD):c.1442C>T (p.Pro481Leu)

Gene: G6PD (glucose-6-phosphate dehydrogenase; minus strand). Cytogenetic location: Xq28.
Variant type: single nucleotide variant.
Coding change: c.1442C>T on transcript NM_001360016.2 (MANE Select); coding-DNA position 1442, C replaced by T.
Protein change: p.Pro481Leu; replaces proline 481 with leucine.
Molecular consequence: missense variant.
Genome position (GRCh38, 1-based): chrX:154,532,203, G>A on the plus strand (C>T on the coding strand, the complement: G6PD is on the minus strand). VCF-style: chrX-154532203-G-A. GRCh37 (hg19) VCF-style: chrX-153760418-G-A.
Other names: c.1532C>T, p.Pro511Leu (NM_000402.4); c.1442C>T, p.Pro481Leu (NM_001042351.3); short protein forms P481L, P511L.
Identifiers: ClinVar variation 3771514 (VCV003771514.13).

ClinVar aggregate classification (germline): Likely pathogenic (1 of 4 stars; one submission).

gnomAD v4.1: 1 of 1,211,697 alleles (0.000083%); highest among the groups gnomAD compares: Non-Finnish European, 0.00011%; no homozygotes.

Submission:

CeGaT Center for Human Genetics Tuebingen
Classification: Likely pathogenic. Last evaluated: 2025-12-01. Review status: criteria provided, single submitter. Criteria: CeGaT Center For Human Genetics Tuebingen Variant Classification Criteria Version 2. Collection method: clinical testing. Allele origin: germline. Affected: yes. Observed: 3 variant alleles.
Comment: G6PD: PM1, PM2, PM5